The following is an entry in ClinVar:

ClinVar aggregate classification (germline): Uncertain significance (1 of 4 stars; one submission).

Submission:

Ambry Genetics
Classification: Uncertain significance. Last evaluated: 2025-03-27. Review status: criteria provided, single submitter. Criteria: Ambry Variant Classification Scheme 2023. Collection method: clinical testing. Allele origin: germline.
Comment: The p.V1964L variant (also known as c.5890G>C), located in coding exon 23 of the WNK2 gene, results from a G to C substitution at nucleotide position 5890. The valine at codon 1964 is replaced by leucine, an amino acid with highly similar properties. This amino acid position is conserved. In addition, the in silico prediction for this alteration is inconclusive. Based on the available evidence, the clinical significance of this variant remains unclear.

NM_006648.4(WNK2):c.5890G>C (p.Val1964Leu)

Gene: WNK2 (WNK lysine deficient protein kinase 2; plus strand). Cytogenetic location: 9q22.31.
Variant type: single nucleotide variant.
Coding change: c.5890G>C on transcript NM_006648.4 (MANE Select); coding-DNA position 5890, G replaced by C.
Protein change: p.Val1964Leu; replaces valine 1964 with leucine.
Molecular consequence: missense variant.
Genome position (GRCh38, 1-based): chr9:93,298,034, G>C. VCF-style: chr9-93298034-G-C. GRCh37 (hg19) VCF-style: chr9-96060316-G-C.
Other names: c.6001G>C, p.Val2001Leu (NM_001282394.3); short protein forms V1964L, V2001L.
Identifiers: ClinVar variation 3981735 (VCV003981735.1).
Genomic context (GRCh38, chr9:93,298,034, plus strand): 5'-GGCCGCCGGAGAAAAACCAGCAAGAGCAAGCTGAAGGCAGGCAAGCTGCTAAATCCCCTG[G>C]TGCGGCAGCTCAAGGTCGTGGCCTCCAGCACAGGTCGGCCTCCGGGTGCAGGGCTGGGAT-3'
Protein context (NP_006639.3, residues 1954-1974): LKAGKLLNPL[Val1964Leu]RQLKVVASST